The following is an entry in ClinVar:

NM_000038.6(APC):c.880T>G (p.Ser294Ala)

Gene: APC (APC regulator of Wnt signaling pathway; plus strand). Cytogenetic location: 5q22.2.
Variant type: single nucleotide variant.
Coding change: c.880T>G on transcript NM_000038.6 (MANE Select); coding-DNA position 880, T replaced by G.
Protein change: p.Ser294Ala; replaces serine 294 with alanine.
Molecular consequence: missense variant.
Genome position (GRCh38, 1-based): chr5:112,815,540, T>G. VCF-style: chr5-112815540-T-G. GRCh37 (hg19) VCF-style: chr5-112151237-T-G.
Other names: c.880T>G, p.Ser294Ala (NM_001127510.3, NM_001354895.2, NM_001354896.2 and 1 more transcripts); c.826T>G, p.Ser276Ala (NM_001127511.3); c.910T>G, p.Ser304Ala (NM_001354897.2, NM_001354902.2); c.805T>G, p.Ser269Ala (NM_001354898.2, NM_001354904.2); c.796T>G, p.Ser266Ala (NM_001354899.2); c.703T>G, p.Ser235Ala (NM_001354900.2, NM_001354901.2, NM_001354905.2); c.31T>G, p.Ser11Ala (NM_001354906.2); short protein forms S269A, S235A, S276A, S304A, S266A, S11A, S294A.
Identifiers: ClinVar variation 938897 (VCV000938897.11), dbSNP rs1762419055, ClinGen allele CA16023244.

ClinVar aggregate classification (germline): Uncertain significance (1 of 4 stars; one submission).

Conditions:
Familial adenomatous polyposis 1 (FAP1). Also called: FAMILIAL ADENOMATOUS POLYPOSIS 1, ATTENUATED; POLYPOSIS, ADENOMATOUS INTESTINAL. Identifiers: MedGen C2713442, MONDO:0021056, OMIM 175100. Disease mechanism: loss of function.

Submission:

Labcorp Genetics (formerly Invitae), Labcorp
Classification: Uncertain significance for Familial adenomatous polyposis 1. Last evaluated: 2022-02-17. Review status: criteria provided, single submitter. Criteria: Invitae Variant Classification Sherloc (09022015). Collection method: clinical testing. Allele origin: germline.
Comment: ClinVar contains an entry for this variant (Variation ID: 938897). This sequence change replaces serine, which is neutral and polar, with alanine, which is neutral and non-polar, at codon 294 of the APC protein (p.Ser294Ala). This variant is not present in population databases (gnomAD no frequency). This variant has not been reported in the literature in individuals affected with APC-related conditions. Algorithms developed to predict the effect of missense changes on protein structure and function output the following: SIFT: "Tolerated"; PolyPhen-2: "Benign"; Align-GVGD: "Class C0". The alanine amino acid residue is found in multiple mammalian species, which suggests that this missense change does not adversely affect protein function. In summary, the available evidence is currently insufficient to determine the role of this variant in disease. Therefore, it has been classified as a Variant of Uncertain Significance.